The following is an entry in ClinVar:

NM_001378328.1(CELSR1):c.5427C>T (p.Ile1809=)

Gene: CELSR1 (cadherin EGF LAG seven-pass G-type receptor 1; minus strand). Cytogenetic location: 22q13.31.
Variant type: single nucleotide variant.
Coding change: c.5427C>T on transcript NM_001378328.1 (MANE Select); coding-DNA position 5427, C replaced by T.
Protein change: p.Ile1809=; no amino-acid change (isoleucine 1809 retained).
Molecular consequence: synonymous variant.
Genome position (GRCh38, 1-based): chr22:46,398,623, G>A on the plus strand (C>T on the coding strand, the complement: CELSR1 is on the minus strand). VCF-style: chr22-46398623-G-A. GRCh37 (hg19) VCF-style: chr22-46794520-G-A.
Other names: c.5427C>T, p.Ile1809= (NM_014246.4).
Identifiers: ClinVar variation 3050304 (VCV003050304.2), dbSNP rs201170657, ClinGen allele CA10294249.

ClinVar aggregate classification (germline): Likely benign (0 of 4 stars; one submission).

Conditions:
CELSR1-related disorder. Also called: CELSR1-related condition.

Allele frequency attached by ClinVar (database versions not stated): gnomAD exomes 0.00007; gnomAD 0.00011; TOPMed 0.00011; ExAC 0.00014.
gnomAD v4.1: 117 of 1,613,712 alleles (0.0073%); highest among the groups gnomAD compares: Admixed American, 0.13%; 2 homozygotes.

Submission:

PreventionGenetics, part of Exact Sciences
Classification: Likely benign for CELSR1-related condition. Last evaluated: 2024-04-30. Review status: no assertion criteria provided. Collection method: clinical testing. Allele origin: germline.
Comment: This variant is classified as likely benign based on ACMG/AMP sequence variant interpretation guidelines (Richards et al. 2015 PMID: 25741868, with internal and published modifications).